The following is an entry in ClinVar:

NM_003491.4(NAA10):c.387-129G>T

Gene: NAA10 (N-alpha-acetyltransferase 10, NatA catalytic subunit; minus strand). Cytogenetic location: Xq28.
Variant type: single nucleotide variant.
Coding change: c.387-129G>T on transcript NM_003491.4 (MANE Select); 129 bases into the intron before coding-DNA position 387, G replaced by T.
Molecular consequence: intron variant.
Genome position (GRCh38, 1-based): chrX:153,930,976, C>A on the plus strand (G>T on the coding strand, the complement: NAA10 is on the minus strand). VCF-style: chrX-153930976-C-A. GRCh37 (hg19) VCF-style: chrX-153196429-C-A.
Other names: NC_000023.10:g.153196429C>A; c.369-129G>T (NM_001256120.2); c.342-129G>T (NM_001256119.2).
Identifiers: ClinVar variation 667507 (VCV000667507.3), dbSNP rs2269370, ClinGen allele CA15053472.

ClinVar aggregate classification (germline): Benign. Review status: criteria provided, multiple submitters, no conflicts (2 of 4 stars). 2 submissions from 2 submitters: Benign (2). Last evaluated 2018-06-19.

Allele frequency attached by ClinVar (database versions not stated): gnomAD 0.24227 and 0.25445; 1000 Genomes Project 0.45457; TOPMed 0.28382; 1000 Genomes Project 30x 0.45161; gnomAD exomes 0.18330.

Submissions (11):

GeneDx
Classification: Benign. Last evaluated: 2018-06-19. Review status: criteria provided, single submitter. Criteria: GeneDx Variant Classification (06012015). Collection method: clinical testing. Allele origin: germline. Affected: yes.
Comment: This variant is considered likely benign or benign based on one or more of the following criteria: it is a conservative change, it occurs at a poorly conserved position in the protein, it is predicted to be benign by multiple in silico algorithms, and/or has population frequency not consistent with disease.

Breakthrough Genomics
Classification: Benign. Review status: criteria provided, single submitter. Criteria: ACMG Guidelines, 2015. Collection method: not provided. Allele origin: germline. Inheritance: X-linked inheritance. Affected: yes.

Dr. Peter K. Rogan Lab, Western University
No classification provided (evidence only). Condition: Malignant lymphoma, large B-cell, diffuse. Review status: no classification provided. Collection method: in vitro. Allele origin: not applicable. Functional consequence: retained intron. Not counted in ClinVar's aggregate classification.

Dr. Peter K. Rogan Lab, Western University
No classification provided (evidence only). Condition: Malignant lymphoma, large B-cell, diffuse. Review status: no classification provided. Collection method: in vitro. Allele origin: not applicable. Functional consequence: retained intron. Not counted in ClinVar's aggregate classification.

Dr. Peter K. Rogan Lab, Western University
No classification provided (evidence only). Condition: Malignant lymphoma, large B-cell, diffuse. Review status: no classification provided. Collection method: in vitro. Allele origin: not applicable. Functional consequence: retained intron. Not counted in ClinVar's aggregate classification.

Dr. Peter K. Rogan Lab, Western University
No classification provided (evidence only). Condition: Uterine carcinosarcoma. Review status: no classification provided. Collection method: in vitro. Allele origin: not applicable. Functional consequence: retained intron. Not counted in ClinVar's aggregate classification.

Dr. Peter K. Rogan Lab, Western University
No classification provided (evidence only). Condition: Uterine carcinosarcoma. Review status: no classification provided. Collection method: in vitro. Allele origin: not applicable. Functional consequence: retained intron. Not counted in ClinVar's aggregate classification.

Dr. Peter K. Rogan Lab, Western University
No classification provided (evidence only). Condition: Uterine carcinosarcoma. Review status: no classification provided. Collection method: in vitro. Allele origin: not applicable. Functional consequence: retained intron. Not counted in ClinVar's aggregate classification.

Dr. Peter K. Rogan Lab, Western University
No classification provided (evidence only). Condition: Uterine carcinosarcoma. Review status: no classification provided. Collection method: in vitro. Allele origin: not applicable. Functional consequence: retained intron. Not counted in ClinVar's aggregate classification.

Dr. Peter K. Rogan Lab, Western University
No classification provided (evidence only). Condition: Uterine carcinosarcoma. Review status: no classification provided. Collection method: in vitro. Allele origin: not applicable. Functional consequence: retained intron. Not counted in ClinVar's aggregate classification.

Dr. Peter K. Rogan Lab, Western University
No classification provided (evidence only). Condition: Uterine carcinosarcoma. Review status: no classification provided. Collection method: in vitro. Allele origin: not applicable. Functional consequence: retained intron. Not counted in ClinVar's aggregate classification.